The following is an entry in ClinVar:

NM_001367624.2(ZNF469):c.7025G>T (p.Gly2342Val)

Gene: ZNF469 (zinc finger protein 469; plus strand). Cytogenetic location: 16q24.2.
Variant type: single nucleotide variant.
Coding change: c.7025G>T on transcript NM_001367624.2 (MANE Select); coding-DNA position 7025, G replaced by T.
Protein change: p.Gly2342Val; replaces glycine 2342 with valine.
Molecular consequence: missense variant.
Genome position (GRCh38, 1-based): chr16:88,434,495, G>T. VCF-style: chr16-88434495-G-T. GRCh37 (hg19) VCF-style: chr16-88500903-G-T.
Other names: short protein forms G2342V.
Identifiers: ClinVar variation 1364156 (VCV001364156.5), dbSNP rs1906428120, ClinGen allele CA397108292.

ClinVar aggregate classification (germline): Uncertain significance (1 of 4 stars; one submission).

Submission:

Labcorp Genetics (formerly Invitae), Labcorp
Classification: Uncertain significance. Last evaluated: 2021-09-24. Review status: criteria provided, single submitter. Criteria: Invitae Variant Classification Sherloc (09022015). Collection method: clinical testing. Allele origin: germline.
Comment: This sequence change replaces glycine with valine at codon 2314 of the ZNF469 protein (p.Gly2314Val). The glycine residue is weakly conserved and there is a moderate physicochemical difference between glycine and valine. This variant is not present in population databases (ExAC no frequency). This variant has not been reported in the literature in individuals affected with ZNF469-related conditions. Algorithms developed to predict the effect of missense changes on protein structure and function (SIFT, PolyPhen-2, Align-GVGD) all suggest that this variant is likely to be tolerated. In summary, the available evidence is currently insufficient to determine the role of this variant in disease. Therefore, it has been classified as a Variant of Uncertain Significance.